The following is an entry in ClinVar:

ClinVar aggregate classification (germline): Likely benign (1 of 4 stars; one submission).

Submission:

CeGaT Center for Human Genetics Tuebingen
Classification: Likely benign. Last evaluated: 2023-09-01. Review status: criteria provided, single submitter. Criteria: CeGaT Center For Human Genetics Tuebingen Variant Classification Criteria Version 2. Collection method: clinical testing. Allele origin: germline. Affected: yes. Observed: 1 variant allele.
Comment: KDM5C: PM2:Supporting, BP4, BP7

NM_004187.5(KDM5C):c.2278C>T (p.Leu760=)

Gene: KDM5C (lysine demethylase 5C; minus strand). Cytogenetic location: Xp11.22.
Variant type: single nucleotide variant.
Coding change: c.2278C>T on transcript NM_004187.5 (MANE Select); coding-DNA position 2278, C replaced by T.
Protein change: p.Leu760=; no amino-acid change (leucine 760 retained).
Molecular consequence: synonymous variant. On other transcripts: non-coding transcript variant (3).
Genome position (GRCh38, 1-based): chrX:53,198,854, G>A on the plus strand (C>T on the coding strand, the complement: KDM5C is on the minus strand). VCF-style: chrX-53198854-G-A. GRCh37 (hg19) VCF-style: chrX-53228036-G-A.
Other names: c.2077C>T, p.Leu693= (NM_001146702.2); c.2275C>T, p.Leu759= (NM_001282622.3, NM_001353979.2, NM_001353982.2); c.2278C>T, p.Leu760= (NM_001353978.3, NM_001353981.2, NM_001353984.2).
Identifiers: ClinVar variation 2660591 (VCV002660591.24), dbSNP rs2146851150, ClinGen allele CA516672422.